The following is an entry in ClinVar:

NM_000548.5(TSC2):c.1057C>G (p.Leu353Val)

Gene: TSC2 (TSC complex subunit 2; plus strand). Cytogenetic location: 16p13.3.
Variant type: single nucleotide variant.
Coding change: c.1057C>G on transcript NM_000548.5 (MANE Select); coding-DNA position 1057, C replaced by G.
Protein change: p.Leu353Val; replaces leucine 353 with valine.
Molecular consequence: missense variant.
Genome position (GRCh38, 1-based): chr16:2,060,751, C>G. VCF-style: chr16-2060751-C-G. GRCh37 (hg19) VCF-style: chr16-2110752-C-G.
Other names: c.1057C>G (NM_000548.4); c.1057C>G, p.Leu353Val (NM_001077183.3, NM_001114382.3, NM_001363528.2 and 3 more transcripts); c.946C>G, p.Leu316Val (NM_001318827.2); c.910C>G, p.Leu304Val (NM_001318829.2); c.457C>G, p.Leu153Val (NM_001318831.2); c.1090C>G, p.Leu364Val (NM_001318832.2); short protein forms L353V, L364V, L153V, L304V, L316V.
Identifiers: ClinVar variation 651839 (VCV000651839.15), dbSNP rs902767624, ClinGen allele CA276776650.
Genomic context (GRCh38, chr16:2,060,751, plus strand): 5'-GTGGTGTCCTATGAGATCGTCCTGTCCATCACCAGGCTCATCAAGAAGTATAGGAAGGAG[C>G]TCCAGGTGGTGGCGTGGGACATTCTGCTGAACATCATCGAACGGCTCCTTCAGCAGCTCC-3'
Protein context (NP_000539.2, residues 343-363): TRLIKKYRKE[Leu353Val]QVVAWDILLN

ClinVar aggregate classification (germline): Uncertain significance. Review status: criteria provided, multiple submitters, no conflicts (2 of 4 stars). 5 submissions from 5 submitters: Uncertain significance (5). Last evaluated 2025-07-07.

Conditions:
Hereditary cancer-predisposing syndrome. Also called: Neoplastic Syndromes, Hereditary; Tumor predisposition; Hereditary neoplastic syndrome; Hereditary Cancer Syndrome. Identifiers: Orphanet 140162, MedGen C0027672, MeSH D009386, MONDO:0015356.
Isolated focal cortical dysplasia type II (FCORD2). Also called: CORTICAL DYSPLASIA OF TAYLOR; Focal cortical dysplasia type II. Identifiers: Orphanet 268994, MedGen C1846385, MONDO:0011818, OMIM 607341, HP:0032051.
Tuberous sclerosis 2 (TSC2). Identifiers: Orphanet 805, MedGen C1860707, MONDO:0013199, OMIM 613254.
Tuberous sclerosis syndrome (TSC). Also called: Tuberous sclerosis; Tuberous Sclerosis Complex. Identifiers: Orphanet 805, MedGen C0041341, MONDO:0001734.
TSC2-related disorder. Also called: TSC2-Related Disorders; TSC2-related condition.

Allele frequency attached by ClinVar (database versions not stated): gnomAD exomes 0.00001.
gnomAD v4.1: 17 of 1,614,126 alleles (0.0011%); highest among the groups gnomAD compares: Non-Finnish European, 0.0014%; no homozygotes.

Submissions (5):

Labcorp Genetics (formerly Invitae), Labcorp
Classification: Uncertain significance for Tuberous sclerosis 2. Last evaluated: 2025-07-07. Review status: criteria provided, single submitter. Criteria: Invitae Variant Classification Sherloc (09022015). Collection method: clinical testing. Allele origin: germline.
Comment: This sequence change replaces leucine, which is neutral and non-polar, with valine, which is neutral and non-polar, at codon 353 of the TSC2 protein (p.Leu353Val). This variant is not present in population databases (gnomAD no frequency). This variant has not been reported in the literature in individuals affected with TSC2-related conditions. ClinVar contains an entry for this variant (Variation ID: 651839). Invitae Evidence Modeling of protein sequence and biophysical properties (such as structural, functional, and spatial information, amino acid conservation, physicochemical variation, residue mobility, and thermodynamic stability) indicates that this missense variant is not expected to disrupt TSC2 protein function with a negative predictive value of 95%. In summary, the available evidence is currently insufficient to determine the role of this variant in disease. Therefore, it has been classified as a Variant of Uncertain Significance.

Ambry Genetics
Classification: Uncertain significance for Hereditary cancer-predisposing syndrome. Last evaluated: 2025-04-10. Review status: criteria provided, single submitter. Criteria: Ambry Variant Classification Scheme 2023. Collection method: clinical testing. Allele origin: germline.
Comment: The p.L353V variant (also known as c.1057C>G), located in coding exon 10 of the TSC2 gene, results from a C to G substitution at nucleotide position 1057. The leucine at codon 353 is replaced by valine, an amino acid with highly similar properties. This amino acid position is highly conserved in available vertebrate species. In addition, the in silico prediction for this alteration is inconclusive. Based on the available evidence, the clinical significance of this variant remains unclear.

PreventionGenetics, part of Exact Sciences
Classification: Uncertain significance for TSC2-related condition. Last evaluated: 2025-03-13. Review status: criteria provided, single submitter. Criteria: ACMG Guidelines, 2015. Collection method: clinical testing. Allele origin: germline.
Comment: The TSC2 c.1057C>G variant is predicted to result in the amino acid substitution p.Leu353Val. To our knowledge, this variant has not been reported in the literature or in a large population database (gnomAD), indicating this variant is rare. This variant is interpreted as uncertain in ClinVar. At this time, the clinical significance of this variant is uncertain due to the absence of conclusive functional and genetic evidence.

All of Us Research Program, National Institutes of Health
Classification: Uncertain significance for Tuberous sclerosis syndrome. Last evaluated: 2024-06-09. Review status: criteria provided, single submitter. Criteria: ACMG Guidelines, 2015. Collection method: clinical testing. Allele origin: germline. Inheritance: Autosomal dominant inheritance. Observed: 1 variant allele, 1 heterozygote.
Comment: This missense variant replaces leucine with valine at codon 353 of the TSC2 protein. Computational prediction is inconclusive regarding the impact of this variant on protein structure and function (internally defined REVEL score threshold 0.5 < inconclusive < 0.7, PMID: 27666373). To our knowledge, functional studies have not been reported for this variant. This variant has not been reported in individuals affected with tuberous sclerosis complex in the literature. This variant has not been identified in the general population by the Genome Aggregation Database (gnomAD). The available evidence is insufficient to determine the role of this variant in disease conclusively. Therefore, this variant is classified as a Variant of Uncertain Significance.

This study involves interpretation of variants in research participants for the purpose of population health screening. Participant phenotype was not available at the time of variant classification. Additional details can be found in publication PMID: 35346344, PMCID: PMC8962531

Baylor Genetics
Classification: Uncertain significance for Isolated focal cortical dysplasia type II. Last evaluated: 2023-10-31. Review status: criteria provided, single submitter. Criteria: ACMG Guidelines, 2015. Collection method: clinical testing. Allele origin: unknown.